The following is an entry in ClinVar:

NM_177438.3(DICER1):c.4175del (p.Ser1392fs)

Gene: DICER1 (dicer 1, ribonuclease III; minus strand). Cytogenetic location: 14q32.13.
Variant type: Deletion.
Coding change: c.4175del on transcript NM_177438.3 (MANE Select); coding-DNA position 4175, one base deleted (G; older notation c.4175delG).
Protein change: p.Ser1392fs; shifts the reading frame from serine 1392.
Molecular consequence: frameshift variant. On other transcripts: non-coding transcript variant (6).
Genome position (GRCh38, 1-based): chr14:95,099,811, C deleted on the plus strand (G on the coding strand, the reverse complement: DICER1 is on the minus strand). VCF-style (leftmost placement, unchanged base first): chr14-95099810-GC-G. GRCh37 (hg19) VCF-style: chr14-95566147-GC-G.
Other names: c.4175del, p.Ser1392fs (NM_001195573.1, NM_001271282.3, NM_001291628.2 and 12 more transcripts); c.3893del, p.Ser1298fs (NM_001395686.1); c.3770del, p.Ser1257fs (NM_001395687.1, NM_001395688.1, NM_001395689.1 and 2 more transcripts); c.3608del, p.Ser1203fs (NM_001395691.1); c.2492del, p.Ser831fs (NM_001395697.1); short protein forms S1203fs, S1257fs, S1298fs, S1392fs, S831fs.
Identifiers: ClinVar variation 3501843 (VCV003501843.1).

ClinVar aggregate classification (germline): Pathogenic (1 of 4 stars; one submission).

Conditions:
Hereditary cancer-predisposing syndrome. Also called: Tumor predisposition; Neoplastic Syndromes, Hereditary; Hereditary Cancer Syndrome; Hereditary neoplastic syndrome. Identifiers: Orphanet 140162, MedGen C0027672, MeSH D009386, MONDO:0015356.

Submission:

Ambry Genetics
Classification: Pathogenic for Hereditary cancer-predisposing syndrome. Last evaluated: 2024-07-19. Review status: criteria provided, single submitter. Criteria: Ambry Variant Classification Scheme 2023. Collection method: clinical testing. Allele origin: germline.
Comment: The c.4175delG pathogenic mutation, located in coding exon 21 of the DICER1 gene, results from a deletion of one nucleotide at nucleotide position 4175, causing a translational frameshift with a predicted alternate stop codon (p.S1392Tfs*11). This variant has been observed in at least one individual with a personal history that is consistent with DICER1-associated disease (Ambry internal data). This variant is considered to be rare based on population cohorts in the Genome Aggregation Database (gnomAD). This alteration is expected to result in loss of function by premature protein truncation or nonsense-mediated mRNA decay. As such, this alteration is interpreted as a disease-causing mutation.